The following is an entry in ClinVar:

NM_020347.4(LZTFL1):c.83G>A (p.Arg28Lys)

Gene: LZTFL1 (leucine zipper transcription factor like 1; minus strand). Cytogenetic location: 3p21.31.
Variant type: single nucleotide variant.
Coding change: c.83G>A on transcript NM_020347.4 (MANE Select); coding-DNA position 83, G replaced by A.
Protein change: p.Arg28Lys; replaces arginine 28 with lysine.
Molecular consequence: missense variant. On other transcripts: intron variant (2).
Genome position (GRCh38, 1-based): chr3:45,837,972, C>T on the plus strand (G>A on the coding strand, the complement: LZTFL1 is on the minus strand). VCF-style: chr3-45837972-C-T. GRCh37 (hg19) VCF-style: chr3-45879464-C-T.
Other names: c.83G>A (NM_020347.3); c.32G>A, p.Arg11Lys (NM_001405922.1, NM_001405923.1, NM_001405926.1 and 4 more transcripts); c.83G>A, p.Arg28Lys (NM_001405924.1, NM_001386452.1); c.107G>A, p.Arg36Lys (NM_001405925.1, NM_001405920.1); c.117-2188G>A (NM_001276379.2, NM_001405921.1); short protein forms R28K, R36K, R11K.
Identifiers: ClinVar variation 3589188 (VCV003589188.2).

ClinVar aggregate classification (germline): Uncertain significance. Review status: criteria provided, multiple submitters, no conflicts (2 of 4 stars). 2 submissions from 2 submitters: Uncertain significance (2). Last evaluated 2025-07-23.

Conditions:
Bardet-Biedl syndrome 17 (BBS17). Identifiers: Orphanet 110, MedGen C3714980, MONDO:0014445, OMIM 615994.
LZTFL1-related disorder. Also called: LZTFL1-related condition.

gnomAD v4.1: 3 of 1,613,682 alleles (0.00019%); highest among the groups gnomAD compares: Admixed American, 0.0017%; no homozygotes.

Submissions (2):

PreventionGenetics, part of Exact Sciences
Classification: Uncertain significance for LZTFL1-related condition. Last evaluated: 2025-07-23. Review status: criteria provided, single submitter. Criteria: ACMG Guidelines, 2015. Collection method: clinical testing. Allele origin: germline.
Comment: The LZTFL1 c.83G>A variant is predicted to result in the amino acid substitution p.Arg28Lys. To our knowledge, this variant has not been reported in the literature. This variant is reported in 0.0029% of alleles in individuals of Latino descent in gnomAD. At this time, the clinical significance of this variant is uncertain due to the absence of conclusive functional and genetic evidence.

Fulgent Genetics
Classification: Uncertain significance for Bardet-Biedl syndrome 17. Last evaluated: 2024-01-09. Review status: criteria provided, single submitter. Criteria: ACMG Guidelines, 2015. Collection method: clinical testing. Allele origin: germline.